The following is an entry in ClinVar:

NM_001378454.1(ALMS1):c.3472G>A (p.Ala1158Thr)

Gene: ALMS1 (ALMS1 centrosome and basal body associated protein; plus strand). Cytogenetic location: 2p13.1.
Variant type: single nucleotide variant.
Coding change: c.3472G>A on transcript NM_001378454.1 (MANE Select); coding-DNA position 3472, G replaced by A.
Protein change: p.Ala1158Thr; replaces alanine 1158 with threonine.
Molecular consequence: missense variant.
Genome position (GRCh38, 1-based): chr2:73,449,999, G>A. VCF-style: chr2-73449999-G-A. GRCh37 (hg19) VCF-style: chr2-73677126-G-A.
Other names: c.3475G>A, p.Ala1159Thr (NM_015120.4); short protein forms A1159T, A1158T.
Identifiers: ClinVar variation 554140 (VCV000554140.8), dbSNP rs376302473, ClinGen allele CA347275728.
Genomic context (GRCh38, chr2:73,449,999, plus strand): 5'-ACTGTAACCTCAACTTCCTACTCACAACATAGAGAAAAGCCCAGCATTTTCCACCAGCAG[G>A]CCTTGCCAGGTACTCATATACCTGAAGAGGCTCAGAAAGTTTCAGCTGTTACTGGACCAG-3'
Protein context (NP_001365383.1, residues 1148-1168): REKPSIFHQQ[Ala1158Thr]LPGTHIPEEA

ClinVar aggregate classification (germline): Uncertain significance. Review status: criteria provided, multiple submitters, no conflicts (2 of 4 stars). 4 submissions from 4 submitters: Uncertain significance (3). 1 of the submissions does not count toward it. Last evaluated 2024-10-22.

Conditions:
Cardiovascular phenotype. Identifiers: MedGen CN230736.
Alstrom syndrome (ALMS). Identifiers: Orphanet 64, MedGen C0268425, MONDO:0008763, OMIM 203800.

Allele frequency attached by ClinVar (database versions not stated): gnomAD 0.00001; gnomAD exomes 0.00001; TOPMed 0.00001.
gnomAD v4.1: 3 of 1,611,902 alleles (0.00019%); highest among the groups gnomAD compares: East Asian, 0.0022%; no homozygotes.

Submissions (4):

Labcorp Genetics (formerly Invitae), Labcorp
Classification: Uncertain significance for Alstrom syndrome. Last evaluated: 2024-10-22. Review status: criteria provided, single submitter. Criteria: Invitae Variant Classification Sherloc (09022015). Collection method: clinical testing. Allele origin: germline.
Comment: This sequence change replaces alanine, which is neutral and non-polar, with threonine, which is neutral and polar, at codon 1159 of the ALMS1 protein (p.Ala1159Thr). This variant is present in population databases (no rsID available, gnomAD 0.01%). This variant has not been reported in the literature in individuals affected with ALMS1-related conditions. ClinVar contains an entry for this variant (Variation ID: 554140). Experimental studies and prediction algorithms are not available or were not evaluated, and the functional significance of this variant is currently unknown. In summary, the available evidence is currently insufficient to determine the role of this variant in disease. Therefore, it has been classified as a Variant of Uncertain Significance.

Ambry Genetics
Classification: Uncertain significance for Cardiovascular phenotype. Last evaluated: 2023-01-31. Review status: criteria provided, single submitter. Criteria: Ambry Variant Classification Scheme 2023. Collection method: clinical testing. Allele origin: germline.
Comment: The p.A1159T variant (also known as c.3475G>A), located in coding exon 8 of the ALMS1 gene, results from a G to A substitution at nucleotide position 3475. The alanine at codon 1159 is replaced by threonine, an amino acid with similar properties. This alteration has been reported in a genetic eye disease cohort (Xu Y et al. Clin Genet, 2016 Apr;89:442-447). This amino acid position is poorly conserved in available vertebrate species. In addition, this alteration is predicted to be tolerated by in silico analysis. Since supporting evidence is limited at this time, the clinical significance of this alteration remains unclear.

Fulgent Genetics
Classification: Uncertain significance for Alstrom syndrome. Last evaluated: 2022-04-21. Review status: criteria provided, single submitter. Criteria: ACMG Guidelines, 2015. Collection method: clinical testing. Allele origin: unknown.

Counsyl
Classification: Uncertain significance for Alstrom syndrome. Last evaluated: 2017-09-28. Review status: no assertion criteria provided. Collection method: clinical testing. Allele origin: unknown. Not counted in ClinVar's aggregate classification.

Literature cited by the submitters: PubMed 26010121 (cited by Ambry Genetics and Counsyl).